The following is an entry in ClinVar:

NM_000061.3(BTK):c.441del (p.Phe146_Trp147insTer)

Gene: BTK (Bruton tyrosine kinase; minus strand). Cytogenetic location: Xq22.1.
Variant type: Deletion.
Coding change: c.441del on transcript NM_000061.3 (MANE Select); coding-DNA position 441, one base deleted (G; older notation c.441delG).
Protein change: p.Phe146_Trp147insTer.
Molecular consequence: nonsense.
Genome position (GRCh38, 1-based): chrX:101,362,640, C deleted on the plus strand (G on the coding strand, the reverse complement: BTK is on the minus strand); the first of 2 consecutive C bases (chrX:101,362,640-101,362,641); deleting either gives the same sequence. VCF-style (leftmost placement, unchanged base first): chrX-101362639-TC-T. GRCh37 (hg19) VCF-style: chrX-100617627-TC-T.
Other names: c.543del, p.Phe180_Trp181insTer (NM_001287344.2); c.441del, p.Phe146_Trp147insTer (NM_001287345.2).
Identifiers: ClinVar variation 843969 (VCV000843969.10), dbSNP rs1926711302, ClinGen allele CA916081276.

ClinVar aggregate classification (germline): Pathogenic (1 of 4 stars; one submission).

Conditions:
X-linked agammaglobulinemia with growth hormone deficiency (IGHD3). Also called: ISOLATED GROWTH HORMONE DEFICIENCY, TYPE III, WITH AGAMMAGLOBULINEMIA; FLEISHER SYNDROME; HYPOGAMMAGLOBULINEMIA AND ISOLATED GROWTH HORMONE DEFICIENCY, X-LINKED; IGHD III; AGAMMAGLOBULINEMIA AND ISOLATED GROWTH HORMONE DEFICIENCY, X-LINKED; Isolated growth hormone deficiency type 3. Identifiers: Orphanet 231692, Orphanet 631, MedGen C0472813, MONDO:0010615, OMIM 307200.

Submission:

Labcorp Genetics (formerly Invitae), Labcorp
Classification: Pathogenic for X-linked agammaglobulinemia with growth hormone deficiency. Last evaluated: 2023-12-07. Review status: criteria provided, single submitter. Criteria: Invitae Variant Classification Sherloc (09022015). Collection method: clinical testing. Allele origin: germline.
Comment: This sequence change creates a premature translational stop signal (p.Trp147*) in the BTK gene. It is expected to result in an absent or disrupted protein product. Loss-of-function variants in BTK are known to be pathogenic (PMID: 15661032, 16862044, 19419768). This variant is not present in population databases (gnomAD no frequency). This variant has not been reported in the literature in individuals affected with BTK-related conditions. ClinVar contains an entry for this variant (Variation ID: 843969). For these reasons, this variant has been classified as Pathogenic.

Literature cited by the submitters: PubMed 15661032; PubMed 16862044; PubMed 19419768.